The following is an entry in ClinVar:

NM_000548.5(TSC2):c.2838-5_2859del

Gene: TSC2 (TSC complex subunit 2; plus strand). Cytogenetic location: 16p13.3.
Variant type: Deletion.
Coding change: c.2838-5_2859del on transcript NM_000548.5 (MANE Select); 5 bases into the intron before coding-DNA position 2838 through coding-DNA position 2859, 27 bases deleted (GATAGTCTGAGGATAGCCAGACCCCCC).
Molecular consequence: splice acceptor variant. On other transcripts: intron variant (31).
Genome position (GRCh38, 1-based): chr16:2,077,593-2,077,619, GATAGTCTGAGGATAGCCAGACCCCCC deleted; deleting any 27 consecutive bases within chr16:2,077,590-2,077,619 gives the same sequence; the c. name uses the placement nearest the transcript's 3' end. VCF-style (leftmost placement, unchanged base first): chr16-2077589-ACCCGATAGTCTGAGGATAGCCAGACCC-A. GRCh37 (hg19) VCF-style: chr16-2127590-ACCCGATAGTCTGAGGATAGCCAGACCC-A.
Other names: c.1493+1008_1493+1034del (NM_001406693.1, NM_001406690.1, NM_001406692.1 and 5 more transcripts); c.2927+1008_2927+1034del (NM_001406667.1, NM_001406668.1); c.2238-5_2259del (NM_001406680.1, NM_001406683.1, NM_001406682.1 and 1 more transcripts); c.2237+1008_2237+1034del (NM_001406687.1, NM_001406685.1, NM_001318831.2 and 2 more transcripts); c.1494-5_1515del (NM_001406689.1); c.1235+1008_1235+1034del (NM_001406698.1); c.2838-5_2859del (NM_001114382.3, NM_001406663.1, NM_001406664.1); c.2837+1008_2837+1034del (NM_021055.3, NM_001370405.1, NM_001363528.2 and 3 more transcripts); and 8 more.
Identifiers: ClinVar variation 2913228 (VCV002913228.3), dbSNP rs2089572678, ClinGen allele CA2202022948.

ClinVar aggregate classification (germline): Uncertain significance (1 of 4 stars; one submission).

Conditions:
Tuberous sclerosis 2 (TSC2). Identifiers: Orphanet 805, MedGen C1860707, MONDO:0013199, OMIM 613254.

Submission:

Labcorp Genetics (formerly Invitae), Labcorp
Classification: Uncertain significance for Tuberous sclerosis 2. Last evaluated: 2023-04-06. Review status: criteria provided, single submitter. Criteria: Invitae Variant Classification Sherloc (09022015). Collection method: clinical testing. Allele origin: germline.
Comment: This variant has not been reported in the literature in individuals affected with TSC2-related conditions. This variant results in the deletion of part of exon 26 of the TSC2 gene. Loss-of-function variants in TSC2 are known to be pathogenic (PMID: 10205261, 17304050). However, tissue-specific alternative splicing of TSC2 gene results in a functional isoform lacking in-frame exon 26 (also known as exon 25, PMID: 26703369). For this reason the clinical significance of loss of function variants in exon 26 is currently uncertain. This variant is not present in population databases (gnomAD no frequency). Algorithms developed to predict the effect of sequence changes on RNA splicing suggest that this variant may disrupt the consensus splice site. In summary, the available evidence is currently insufficient to determine the role of this variant in disease. Therefore, it has been classified as a Variant of Uncertain Significance.

Literature cited by the submitters: PubMed 10205261; PubMed 17304050.